The following is an entry in ClinVar:

NM_001363711.2(DUOX2):c.*722G>A

Gene: DUOX2 (dual oxidase 2; minus strand). Cytogenetic location: 15q21.1.
Variant type: single nucleotide variant.
Coding change: c.*722G>A on transcript NM_001363711.2 (MANE Select); 722 bases downstream of the stop codon, G replaced by A.
Molecular consequence: 3 prime UTR variant.
Genome position (GRCh38, 1-based): chr15:45,093,428, C>T on the plus strand (G>A on the coding strand, the complement: DUOX2 is on the minus strand). VCF-style: chr15-45093428-C-T. GRCh37 (hg19) VCF-style: chr15-45385626-C-T.
Other names: c.*722G>A (NM_014080.5).
Identifiers: ClinVar variation 316126 (VCV000316126.6), dbSNP rs8024922, ClinGen allele CA10641970.

ClinVar aggregate classification (germline): Benign. Review status: criteria provided, multiple submitters, no conflicts (2 of 4 stars). 2 submissions from 2 submitters: Benign (2). Last evaluated 2018-01-12.

Conditions:
Thyroid dyshormonogenesis 6 (TDH6). Also called: THYROID HORMONOGENESIS, GENETIC DEFECT IN, 6; Genetic transient congenital hypothyroidism; HYPOTHYROIDISM, CONGENITAL, DUE TO DYSHORMONOGENESIS, 6. Identifiers: Orphanet 226316, Orphanet 95716, MedGen C1846632, MONDO:0011792, OMIM 607200.

Allele frequency attached by ClinVar (database versions not stated): gnomAD exomes 0.04612; 1000 Genomes Project 0.10323; 1000 Genomes Project 30x 0.10899; gnomAD 0.11058; TOPMed 0.11114.

Submissions (2):

Illumina Laboratory Services, Illumina
Classification: Benign for Thyroid dyshormonogenesis 6. Last evaluated: 2018-01-12. Review status: criteria provided, single submitter. Criteria: ICSL Variant Classification Criteria 13 December 2019. Collection method: clinical testing. Allele origin: germline.
Comment: This variant was observed in the ICSL laboratory as part of a predisposition screen in an ostensibly healthy population. It had not been previously curated by ICSL or reported in the Human Gene Mutation Database (HGMD: prior to June 1st, 2018), and was therefore a candidate for classification through an automated scoring system. Utilizing variant allele frequency, disease prevalence and penetrance estimates, and inheritance mode, an automated score was calculated to assess if this variant is too frequent to cause the disease. Based on the score and internal cut-off values, a variant classified as benign is not then subjected to further curation. The score for this variant resulted in a classification of benign for this disease.

Breakthrough Genomics
Classification: Benign. Review status: criteria provided, single submitter. Criteria: ACMG Guidelines, 2015. Collection method: not provided. Allele origin: germline. Inheritance: Autosomal recessive inheritance. Affected: yes.